The following is an entry in ClinVar:

ClinVar aggregate classification (germline): Likely benign (1 of 4 stars; one submission).

gnomAD v4.1: 22 of 1,614,132 alleles (0.0014%); highest among the groups gnomAD compares: Admixed American, 0.035%; no homozygotes.

Submission:

CeGaT Center for Human Genetics Tuebingen
Classification: Likely benign. Last evaluated: 2026-06-01. Review status: criteria provided, single submitter. Criteria: CeGaT Center For Human Genetics Tuebingen Variant Classification Criteria Version 2. Collection method: clinical testing. Allele origin: germline. Affected: yes. Observed: 1 variant allele.
Comment: ARID2: BP4, BP7

NM_152641.4(ARID2):c.3375A>G (p.Gln1125=)

Gene: ARID2 (AT-rich interaction domain 2; plus strand). Cytogenetic location: 12q12.
Variant type: single nucleotide variant.
Coding change: c.3375A>G on transcript NM_152641.4 (MANE Select); coding-DNA position 3375, A replaced by G.
Protein change: p.Gln1125=; no amino-acid change (glutamine 1125 retained).
Molecular consequence: synonymous variant.
Genome position (GRCh38, 1-based): chr12:45,851,498, A>G. VCF-style: chr12-45851498-A-G. GRCh37 (hg19) VCF-style: chr12-46245281-A-G.
Other names: c.3375A>G, p.Gln1125= (NM_001347839.2).
Identifiers: ClinVar variation 4874409 (VCV004874409.2).
Genomic context (GRCh38, chr12:45,851,498, plus strand): 5'-AGCCGCAGGTTTTGGAGTGCAGGGGCAAACTCCAGCTCAGCAGCTATTGGTTGGGCAGCA[A>G]AATGTTCAGTTGGTCCCAAGTGCAATGCCACCCTCAGGGGGAGTACAAACTGTGCCCATT-3'
Protein context (NP_689854.2, residues 1115-1135): TPAQQLLVGQ[Gln1125=]NVQLVPSAMP